The following is an entry in ClinVar:

NM_020975.6(RET):c.1315C>T (p.Gln439Ter)

Gene: RET (ret proto-oncogene; plus strand). Cytogenetic location: 10q11.21.
Variant type: single nucleotide variant.
Coding change: c.1315C>T on transcript NM_020975.6 (MANE Select); coding-DNA position 1315, C replaced by T.
Protein change: p.Gln439Ter; replaces glutamine 439 with a stop codon.
Molecular consequence: nonsense.
Genome position (GRCh38, 1-based): chr10:43,111,258, C>T. VCF-style: chr10-43111258-C-T. GRCh37 (hg19) VCF-style: chr10-43606706-C-T.
Other names: c.1315C>T, p.Gln439Ter (NM_000323.2, NM_001406743.1, NM_001406744.1 and 6 more transcripts); c.553C>T, p.Gln185Ter (NM_001355216.2); c.1186C>T, p.Gln396Ter (NM_001406761.1, NM_001406762.1, NM_001406764.1 and 1 more transcripts); c.1027C>T, p.Gln343Ter (NM_001406766.1, NM_001406767.1, NM_001406770.1); c.919C>T, p.Gln307Ter (NM_001406769.1, NM_001406772.1); c.877C>T, p.Gln293Ter (NM_001406771.1, NM_001406773.1); c.790C>T, p.Gln264Ter (NM_001406774.1); c.589C>T, p.Gln197Ter (NM_001406775.1, NM_001406776.1, NM_001406777.1 and 1 more transcripts); and 1 more; short protein forms Q185*, Q439*, Q197*, Q293*, Q264*, Q343*, Q396*, Q307*.
Identifiers: ClinVar variation 1452055 (VCV001452055.7), dbSNP rs2132767341, ClinGen allele CA376548991.

ClinVar aggregate classification (germline): Pathogenic (1 of 4 stars; one submission).

Conditions:
Multiple endocrine neoplasia, type 2 (MEN2). Identifiers: Orphanet 653, MedGen C4048306, MONDO:0019003. Disease mechanism: gain of function.

Submission:

Labcorp Genetics (formerly Invitae), Labcorp
Classification: Pathogenic for Multiple endocrine neoplasia, type 2. Last evaluated: 2021-06-21. Review status: criteria provided, single submitter. Criteria: Invitae Variant Classification Sherloc (09022015). Collection method: clinical testing. Allele origin: germline.
Comment: This sequence change creates a premature translational stop signal (p.Gln439*) in the RET gene. It is expected to result in an absent or disrupted protein product. Loss-of-function variants in RET are known to be pathogenic (PMID: 22174939, 22648184). This variant is not present in population databases (ExAC no frequency). This variant has not been reported in the literature in individuals with RET-related conditions. For these reasons, this variant has been classified as Pathogenic.

Literature cited by the submitters: PubMed 22174939; PubMed 22648184.